The following is an entry in ClinVar:

NM_000548.5(TSC2):c.4114G>A (p.Val1372Met)

Gene: TSC2 (TSC complex subunit 2; plus strand). Cytogenetic location: 16p13.3.
Variant type: single nucleotide variant.
Coding change: c.4114G>A on transcript NM_000548.5 (MANE Select); coding-DNA position 4114, G replaced by A.
Protein change: p.Val1372Met; replaces valine 1372 with methionine.
Molecular consequence: missense variant.
Genome position (GRCh38, 1-based): chr16:2,084,336, G>A. VCF-style: chr16-2084336-G-A. GRCh37 (hg19) VCF-style: chr16-2134337-G-A.
Other names: c.3913G>A, p.Val1305Met (NM_001077183.3); c.4045G>A, p.Val1349Met (NM_001114382.3); c.3805G>A, p.Val1269Met (NM_001318827.2); c.3769G>A, p.Val1257Met (NM_001318829.2); c.3382G>A, p.Val1128Met (NM_001318831.2); c.3946G>A, p.Val1316Met (NM_001318832.2); c.3916G>A, p.Val1306Met (NM_001363528.2); c.3982G>A, p.Val1328Met (NM_001370404.1); and 1 more; short protein forms V1128M, V1305M, V1306M, V1372M, V1316M, V1329M, V1257M, V1269M.
Identifiers: ClinVar variation 945393 (VCV000945393.12), dbSNP rs2090494113, ClinGen allele CA394299526.
Genomic context (GRCh38, chr16:2,084,336, plus strand): 5'-CTGGTTGGCAGGGGCATCCCCATCGAGCGAGTCGTCTCCTCGGAGGGTGGCCGGCCCTCT[G>A]TGGACCTCTCCTTCCAGCCCTCGCAGCCCCTGAGCAAGTCCAGCTCCTCTCCCGAGCTGC-3'
Protein context (NP_000539.2, residues 1362-1382): VVSSEGGRPS[Val1372Met]DLSFQPSQPL

ClinVar aggregate classification (germline): Uncertain significance. Review status: criteria provided, multiple submitters, no conflicts (2 of 4 stars). 2 submissions from 2 submitters: Uncertain significance (2). Last evaluated 2022-09-17.

Conditions:
Tuberous sclerosis 2 (TSC2). Identifiers: Orphanet 805, MedGen C1860707, MONDO:0013199, OMIM 613254.
Hereditary cancer-predisposing syndrome. Also called: Neoplastic Syndromes, Hereditary; Hereditary neoplastic syndrome; Hereditary Cancer Syndrome; Tumor predisposition. Identifiers: Orphanet 140162, MedGen C0027672, MeSH D009386, MONDO:0015356.

Submissions (2):

Labcorp Genetics (formerly Invitae), Labcorp
Classification: Uncertain significance for Tuberous sclerosis 2. Last evaluated: 2022-09-17. Review status: criteria provided, single submitter. Criteria: Invitae Variant Classification Sherloc (09022015). Collection method: clinical testing. Allele origin: germline.
Comment: This variant has not been reported in the literature in individuals affected with TSC2-related conditions. ClinVar contains an entry for this variant (Variation ID: 945393). Advanced modeling of protein sequence and biophysical properties (such as structural, functional, and spatial information, amino acid conservation, physicochemical variation, residue mobility, and thermodynamic stability) performed at Invitae indicates that this missense variant is not expected to disrupt TSC2 protein function. This sequence change replaces valine, which is neutral and non-polar, with methionine, which is neutral and non-polar, at codon 1372 of the TSC2 protein (p.Val1372Met). This variant is not present in population databases (gnomAD no frequency). In summary, the available evidence is currently insufficient to determine the role of this variant in disease. Therefore, it has been classified as a Variant of Uncertain Significance.

Ambry Genetics
Classification: Uncertain significance for Hereditary cancer-predisposing syndrome. Last evaluated: 2022-02-12. Review status: criteria provided, single submitter. Criteria: Ambry Variant Classification Scheme 2023. Collection method: clinical testing. Allele origin: germline.
Comment: The p.V1372M variant (also known as c.4114G>A), located in coding exon 33 of the TSC2 gene, results from a G to A substitution at nucleotide position 4114. The valine at codon 1372 is replaced by methionine, an amino acid with highly similar properties. This amino acid position is conserved. In addition, the in silico prediction for this alteration is inconclusive. Since supporting evidence is limited at this time, the clinical significance of this alteration remains unclear.